The following is an entry in ClinVar:

NM_021147.5(CCNO):c.62A>G (p.Asn21Ser)

Gene: CCNO (cyclin O; minus strand). Cytogenetic location: 5q11.2.
Variant type: single nucleotide variant.
Coding change: c.62A>G on transcript NM_021147.5 (MANE Select); coding-DNA position 62, A replaced by G.
Protein change: p.Asn21Ser; replaces asparagine 21 with serine.
Molecular consequence: missense variant. On other transcripts: non-coding transcript variant (2).
Genome position (GRCh38, 1-based): chr5:55,233,462, T>C on the plus strand (A>G on the coding strand, the complement: CCNO is on the minus strand). VCF-style: chr5-55233462-T-C. GRCh37 (hg19) VCF-style: chr5-54529290-T-C.
Other names: c.62A>G (NM_021147.3); short protein forms N21S.
Identifiers: ClinVar variation 644509 (VCV000644509.8), dbSNP rs748757403, ClinGen allele CA3266873.

ClinVar aggregate classification (germline): Uncertain significance. Review status: criteria provided, multiple submitters, no conflicts (2 of 4 stars). 3 submissions from 3 submitters: Uncertain significance (3). Last evaluated 2025-06-27.

Conditions:
Inborn genetic diseases. Identifiers: MedGen C0950123, MeSH D030342.
Primary ciliary dyskinesia. Also called: Ciliary dyskinesia. Identifiers: Orphanet 244, MedGen C0008780, MONDO:0016575, HP:0012265.

Allele frequency attached by ClinVar (database versions not stated): gnomAD 0.00015 and 0.00013; gnomAD exomes 0.00002 and 0.00003; ExAC 0.00005; TOPMed 0.00009.

Submissions (3):

GeneDx
Classification: Uncertain significance. Last evaluated: 2025-06-27. Review status: criteria provided, single submitter. Criteria: GeneDx Variant Classification Process June 2021. Collection method: clinical testing. Allele origin: germline. Affected: yes.
Comment: In silico analysis suggests that this missense variant does not alter protein structure/function; Has not been previously published as pathogenic or benign to our knowledge

Ambry Genetics
Classification: Uncertain significance for Inborn genetic diseases. Last evaluated: 2024-02-28. Review status: criteria provided, single submitter. Criteria: Ambry Variant Classification Scheme 2023. Collection method: clinical testing. Allele origin: germline.

Labcorp Genetics (formerly Invitae), Labcorp
Classification: Uncertain significance for Primary ciliary dyskinesia. Last evaluated: 2023-09-12. Review status: criteria provided, single submitter. Criteria: Invitae Variant Classification Sherloc (09022015). Collection method: clinical testing. Allele origin: germline.
Comment: This sequence change replaces asparagine, which is neutral and polar, with serine, which is neutral and polar, at codon 21 of the CCNO protein (p.Asn21Ser). This variant is present in population databases (rs748757403, gnomAD 0.04%). This variant has not been reported in the literature in individuals affected with CCNO-related conditions. ClinVar contains an entry for this variant (Variation ID: 644509). In summary, the available evidence is currently insufficient to determine the role of this variant in disease. Therefore, it has been classified as a Variant of Uncertain Significance. Algorithms developed to predict the effect of missense changes on protein structure and function output the following: SIFT: "Not Available"; PolyPhen-2: "Benign"; Align-GVGD: "Not Available". The serine amino acid residue is found in multiple mammalian species, which suggests that this missense change does not adversely affect protein function.